The following is an entry in ClinVar:

ClinVar aggregate classification (germline): Uncertain significance (1 of 4 stars; one submission).

Conditions:
Hereditary cancer-predisposing syndrome. Also called: Neoplastic Syndromes, Hereditary; Tumor predisposition; Hereditary Cancer Syndrome; Hereditary neoplastic syndrome. Identifiers: Orphanet 140162, MedGen C0027672, MeSH D009386, MONDO:0015356.

Submission:

Ambry Genetics
Classification: Uncertain significance for Hereditary cancer-predisposing syndrome. Last evaluated: 2025-11-29. Review status: criteria provided, single submitter. Criteria: Ambry Variant Classification Scheme 2023. Collection method: clinical testing. Allele origin: germline.
Comment: The p.E94Q variant (also known as c.280G>C), located in coding exon 2 of the PHOX2B gene, results from a G to C substitution at nucleotide position 280. The glutamic acid at codon 94 is replaced by glutamine, an amino acid with highly similar properties. This amino acid position is conserved. In addition, the in silico prediction for this alteration is inconclusive. Based on the available evidence, the clinical significance of this variant remains unclear.

NM_003924.4(PHOX2B):c.280G>C (p.Glu94Gln)

Gene: PHOX2B (paired like homeobox 2B; minus strand). Cytogenetic location: 4p13.
Variant type: single nucleotide variant.
Coding change: c.280G>C on transcript NM_003924.4 (MANE Select); coding-DNA position 280, G replaced by C.
Protein change: p.Glu94Gln; replaces glutamic acid 94 with glutamine.
Molecular consequence: missense variant.
Genome position (GRCh38, 1-based): chr4:41,747,498, C>G on the plus strand (G>C on the coding strand, the complement: PHOX2B is on the minus strand). VCF-style: chr4-41747498-C-G. GRCh37 (hg19) VCF-style: chr4-41749515-C-G.
Other names: short protein forms E94Q.
Identifiers: ClinVar variation 4666149 (VCV004666149.1).